The following is an entry in ClinVar:

ClinVar aggregate classification (germline): Pathogenic. Review status: criteria provided, multiple submitters, no conflicts (2 of 4 stars). 3 submissions from 3 submitters: Pathogenic (3). Last evaluated 2024-07-01.

Conditions:
Hereditary cancer-predisposing syndrome. Also called: Hereditary Cancer Syndrome; Neoplastic Syndromes, Hereditary; Tumor predisposition; Hereditary neoplastic syndrome. Identifiers: Orphanet 140162, MedGen C0027672, MeSH D009386, MONDO:0015356.
Familial cancer of breast. Also called: BREAST CANCER, FAMILIAL; Hereditary breast cancer; hereditary breast carcinoma. Identifiers: Orphanet 227535, MedGen C0346153, MONDO:0016419, OMIM 114480. Disease mechanism: loss of function.
Ataxia-telangiectasia syndrome (AT). Also called: Ataxia-telangiectasia, complementation group D; AT, COMPLEMENTATION GROUP C; ATAXIA-TELANGIECTASIA, COMPLEMENTATION GROUP A; ATAXIA-TELANGIECTASIA, FRESNO VARIANT; Ataxia-telangiectasia; LOUIS-BAR SYNDROME. Identifiers: Orphanet 100, MedGen C0004135, MONDO:0008840, OMIM 208900.

Submissions (3):

Labcorp Genetics (formerly Invitae), Labcorp
Classification: Pathogenic for Ataxia-telangiectasia syndrome. Last evaluated: 2024-07-01. Review status: criteria provided, single submitter. Criteria: Invitae Variant Classification Sherloc (09022015). Collection method: clinical testing. Allele origin: germline.
Comment: This sequence change creates a premature translational stop signal (p.Ile1261Aspfs*2) in the ATM gene. It is expected to result in an absent or disrupted protein product. Loss-of-function variants in ATM are known to be pathogenic (PMID: 23807571, 25614872). This variant is not present in population databases (gnomAD no frequency). This variant has not been reported in the literature in individuals affected with ATM-related conditions. ClinVar contains an entry for this variant (Variation ID: 186102). For these reasons, this variant has been classified as Pathogenic.

Myriad Genetics, Inc.
Classification: Pathogenic for Familial cancer of breast. Last evaluated: 2024-01-23. Review status: criteria provided, single submitter. Criteria: Myriad Autosomal Dominant, Autosomal Recessive and X-Linked Classification Criteria (2023). Collection method: clinical testing. Allele origin: unknown.
Comment: This variant is considered pathogenic. This variant creates a frameshift predicted to result in premature protein truncation.

Ambry Genetics
Classification: Pathogenic for Hereditary cancer-predisposing syndrome. Last evaluated: 2014-09-15. Review status: criteria provided, single submitter. Criteria: Ambry Variant Classification Scheme 2023. Collection method: clinical testing. Allele origin: germline.
Comment: The c.3780dupG pathogenic mutation, located in coding exon 25 of the ATM gene, results from a duplication of G at nucleotide position 3780, causing a translational frameshift with a predicted alternate stop codon. Since frameshifts are typically deleterious in nature, this alteration is interpreted as a disease-causing mutation (ACMG Recommendations for Standards for Interpretation and Reporting of Sequence Variations. Revision 2007. Genet Med. 2008;10:294).

Literature cited by the submitters: PubMed 23807571 (cited by Labcorp Genetics (formerly Invitae), Labcorp); PubMed 25614872 (cited by Labcorp Genetics (formerly Invitae), Labcorp).

NM_000051.4(ATM):c.3780dup (p.Ile1261fs)

Gene: ATM (ATM serine/threonine kinase; plus strand). Cytogenetic location: 11q22.3.
Variant type: Duplication.
Coding change: c.3780dup on transcript NM_000051.4 (MANE Select); coding-DNA position 3780, one base duplicated (G; older notation c.3780dupG).
Protein change: p.Ile1261fs; shifts the reading frame from isoleucine 1261.
Molecular consequence: frameshift variant.
Genome position (GRCh38, 1-based): chr11:108,284,260, G duplicated. VCF-style (leftmost placement, unchanged base first): chr11-108284259-T-TG. GRCh37 (hg19) VCF-style: chr11-108154986-T-TG.
Other names: c.3780dupG (NM_000051.3); c.3780dup, p.Ile1261fs (NM_001351834.2); short protein forms I1261fs.
Identifiers: ClinVar variation 186102 (VCV000186102.7), dbSNP rs786202694, ClinGen allele CA193873.